The following is an entry in ClinVar:

ClinVar aggregate classification (germline): Uncertain significance. Review status: criteria provided, multiple submitters, no conflicts (2 of 4 stars). 2 submissions from 2 submitters: Uncertain significance (2). Last evaluated 2025-08-11.

Conditions:
Inborn genetic diseases. Identifiers: MedGen C0950123, MeSH D030342.

Allele frequency attached by ClinVar (database versions not stated): ExAC 0.00001; TOPMed 0.00001; gnomAD exomes 0.00002.
gnomAD v4.1: 10 of 1,612,978 alleles (0.00062%); highest among the groups gnomAD compares: Non-Finnish European, 0.00085%; no homozygotes.

Submissions (2):

Labcorp Genetics (formerly Invitae), Labcorp
Classification: Uncertain significance. Last evaluated: 2025-08-11. Review status: criteria provided, single submitter. Criteria: Invitae Variant Classification Sherloc (09022015). Collection method: clinical testing. Allele origin: germline.
Comment: This sequence change replaces arginine, which is basic and polar, with lysine, which is basic and polar, at codon 576 of the SPART protein (p.Arg576Lys). This variant is present in population databases (rs765614001, gnomAD 0.002%). This variant has not been reported in the literature in individuals affected with SPART-related conditions. ClinVar contains an entry for this variant (Variation ID: 2063549). Invitae Evidence Modeling of protein sequence and biophysical properties (such as structural, functional, and spatial information, amino acid conservation, physicochemical variation, residue mobility, and thermodynamic stability) indicates that this missense variant is not expected to disrupt SPART protein function with a negative predictive value of 80%. In summary, the available evidence is currently insufficient to determine the role of this variant in disease. Therefore, it has been classified as a Variant of Uncertain Significance.

Ambry Genetics
Classification: Uncertain significance for Inborn genetic diseases. Last evaluated: 2023-10-13. Review status: criteria provided, single submitter. Criteria: Ambry Variant Classification Scheme 2023. Collection method: clinical testing. Allele origin: germline.

NM_015087.5(SPART):c.1727G>A (p.Arg576Lys)

Gene: SPART (spartin; minus strand). Cytogenetic location: 13q13.3.
Variant type: single nucleotide variant.
Coding change: c.1727G>A on transcript NM_015087.5 (MANE Select); coding-DNA position 1727, G replaced by A.
Protein change: p.Arg576Lys; replaces arginine 576 with lysine.
Molecular consequence: missense variant.
Genome position (GRCh38, 1-based): chr13:36,312,151, C>T on the plus strand (G>A on the coding strand, the complement: SPART is on the minus strand). VCF-style: chr13-36312151-C-T. GRCh37 (hg19) VCF-style: chr13-36886288-C-T.
Other names: c.1727G>A (NM_015087.4); c.1727G>A, p.Arg576Lys (NM_001142294.2, NM_001142295.2, NM_001142296.2); short protein forms R576K.
Identifiers: ClinVar variation 2063549 (VCV002063549.5), dbSNP rs765614001, ClinGen allele CA6949313.